The following is an entry in ClinVar:

NM_030665.4(RAI1):c.3662C>T (p.Ala1221Val)

Gene: RAI1 (retinoic acid induced 1; plus strand). Cytogenetic location: 17p11.2.
Variant type: single nucleotide variant.
Coding change: c.3662C>T on transcript NM_030665.4 (MANE Select); coding-DNA position 3662, C replaced by T.
Protein change: p.Ala1221Val; replaces alanine 1221 with valine.
Molecular consequence: missense variant.
Genome position (GRCh38, 1-based): chr17:17,796,610, C>T. VCF-style: chr17-17796610-C-T. GRCh37 (hg19) VCF-style: chr17-17699924-C-T.
Other names: short protein forms A1221V.
Identifiers: ClinVar variation 4628801 (VCV004628801.3).

ClinVar aggregate classification (germline): Conflicting classifications of pathogenicity. Review status: criteria provided, conflicting classifications (1 of 4 stars). 3 submissions from 3 submitters: Uncertain significance (2); Likely benign (1). Last evaluated 2026-06-02.

Conditions:
Inborn genetic diseases. Identifiers: MedGen C0950123, MeSH D030342.
RAI1-related disorder. Also called: RAI1-related condition.

gnomAD v4.1: 15 of 1,612,052 alleles (0.00093%); highest among the groups gnomAD compares: East Asian, 0.011%; no homozygotes.

Submissions (3):

PreventionGenetics, part of Exact Sciences
Classification: Uncertain significance for RAI1-related condition. Last evaluated: 2026-06-02. Review status: criteria provided, single submitter. Criteria: ACMG Guidelines, 2015. Collection method: clinical testing. Allele origin: germline.
Comment: The RAI1 c.3662C>T variant is predicted to result in the amino acid substitution p.Ala1221Val. To our knowledge, this variant has not been reported in the literature. This variant is reported in 0.030% of alleles in individuals of East Asian descent in gnomAD. Although we suspect that this variant may be benign, at this time, the clinical significance of this variant is uncertain due to the absence of conclusive functional and genetic evidence.

Ambry Genetics
Classification: Likely benign for Inborn genetic diseases. Last evaluated: 2025-10-15. Review status: criteria provided, single submitter. Criteria: Ambry Variant Classification Scheme 2023. Collection method: clinical testing. Allele origin: germline.

Labcorp Genetics (formerly Invitae), Labcorp
Classification: Uncertain significance. Last evaluated: 2025-09-10. Review status: criteria provided, single submitter. Criteria: Invitae Variant Classification Sherloc (09022015). Collection method: clinical testing. Allele origin: germline.
Comment: This sequence change replaces alanine, which is neutral and non-polar, with valine, which is neutral and non-polar, at codon 1221 of the RAI1 protein (p.Ala1221Val). This variant is present in population databases (rs372960870, gnomAD 0.03%). This variant has not been reported in the literature in individuals affected with RAI1-related conditions. Invitae Evidence Modeling of protein sequence and biophysical properties (such as structural, functional, and spatial information, amino acid conservation, physicochemical variation, residue mobility, and thermodynamic stability) indicates that this missense variant is not expected to disrupt RAI1 protein function with a negative predictive value of 80%. In summary, the available evidence is currently insufficient to determine the role of this variant in disease. Therefore, it has been classified as a Variant of Uncertain Significance.